The following is an entry in ClinVar:

NM_001904.4(CTNNB1):c.299_300del (p.Pro100fs)

Genes: CTNNB1 (catenin beta 1; plus strand), LOC126806658 (BRD4-independent group 4 enhancer GRCh37_chr3:41265899-41267098; plus strand). Cytogenetic location: 3p22.1.
Variant type: Deletion.
Coding change: c.299_300del on transcript NM_001904.4 (MANE Select); coding-DNA positions 299 to 300, 2 bases deleted (CT; older notation c.299_300delCT).
Protein change: p.Pro100fs; shifts the reading frame from proline 100.
Molecular consequence: frameshift variant.
Genome position (GRCh38, 1-based): chr3:41,225,011-41,225,012, CT deleted. VCF-style (leftmost placement, unchanged base first): chr3-41225010-CCT-C. GRCh37 (hg19) VCF-style: chr3-41266501-CCT-C.
Other names: c.299_300del, p.Pro100fs (NM_001098209.2, NM_001098210.2); c.278_279del, p.Pro93fs (NM_001330729.2); short protein forms P100fs, P93fs.
Identifiers: ClinVar variation 3342782 (VCV003342782.1).

ClinVar aggregate classification (germline): Pathogenic (1 of 4 stars; one submission).

Submission:

GeneDx
Classification: Pathogenic. Last evaluated: 2023-01-17. Review status: criteria provided, single submitter. Criteria: GeneDx Variant Classification Process June 2021. Collection method: clinical testing. Allele origin: germline. Affected: yes.
Comment: Frameshift variant predicted to result in protein truncation or nonsense mediated decay in a gene for which loss of function is a known mechanism of disease; Not observed at significant frequency in large population cohorts (gnomAD); This variant is associated with the following publications: (PMID: 36153650)